The following is an entry in ClinVar:

NM_000048.4(ASL):c.1138A>G (p.Lys380Glu)

Gene: ASL (argininosuccinate lyase; plus strand). Cytogenetic location: 7q11.21.
Variant type: single nucleotide variant.
Coding change: c.1138A>G on transcript NM_000048.4 (MANE Select); coding-DNA position 1138, A replaced by G.
Protein change: p.Lys380Glu; replaces lysine 380 with glutamic acid.
Molecular consequence: missense variant.
Genome position (GRCh38, 1-based): chr7:66,092,081, A>G. VCF-style: chr7-66092081-A-G. GRCh37 (hg19) VCF-style: chr7-65557068-A-G.
Other names: c.1138A>G, p.Lys380Glu (NM_001024943.2); c.1078A>G, p.Lys360Glu (NM_001024944.2); c.1060A>G, p.Lys354Glu (NM_001024946.2); c.1138A>G (NM_000048.3); short protein forms K354E, K360E, K380E.
Identifiers: ClinVar variation 2664664 (VCV002664664.4), dbSNP rs2485028603.
Genomic context (GRCh38, chr7:66,092,081, plus strand): 5'-ATGGGACAGGCTCTCAGCCCCGACATGCTGGCCACTGACCTTGCCTATTACCTGGTCCGC[A>G]AAGGGGTAAGTGTGTAGCAGCCAGGGGGAGGGTGAGGAGATGGGGTGCCCCCCCCAGAGG-3'
Protein context (NP_000039.2, residues 370-390): ATDLAYYLVR[Lys380Glu]GMPFRQAHEA

ClinVar aggregate classification (germline): Conflicting classifications of pathogenicity. Review status: criteria provided, conflicting classifications (1 of 4 stars). 4 submissions from 4 submitters: Likely pathogenic (2); Uncertain significance (1). 1 of the submissions does not count toward it. Last evaluated 2025-10-16.

Conditions:
Argininosuccinate lyase deficiency. Also called: ARGININOSUCCINIC ACID LYASE DEFICIENCY; ASL DEFICIENCY; Argininosuccinic aciduria. Identifiers: Orphanet 23, MedGen C0268547, MONDO:0008815, OMIM 207900, HP:0025630.

Submissions (4):

Natera, Inc.
Classification: Likely pathogenic for Argininosuccinate lyase deficiency. Last evaluated: 2025-10-16. Review status: criteria provided, single submitter. Criteria: Natera Variant Classification Schema (03/2026). Collection method: clinical testing. Allele origin: germline.
Comment: The c.1138A>G variant in ASL is a missense variant predicted to cause substitution of lysine to glutamic acid at amino acid 380. This variant is rare in the general population with a frequency below the threshold expected for the associated phenotype(s). This variant has been observed in one or more individuals affected with the associated recessive disease, as either homozygous or compound heterozygous with a second variant (PMID: 39342494, 28251416, 24166829). This variant has been identified in one or more affected individual with a phenotype highly consistent with the associated gene (PMID: 39342494). Computational prediction algorithms indicate this variant is likely to affect gene or protein function. Given the available evidence, this variant is classified as Likely Pathogenic.

Women's Health and Genetics/Laboratory Corporation of America, LabCorp
Classification: Likely pathogenic for Argininosuccinate lyase deficiency. Last evaluated: 2025-03-14. Review status: criteria provided, single submitter. Criteria: LabCorp Variant Classification Summary - May 2015. Collection method: clinical testing. Allele origin: germline.
Comment: Variant summary: ASL c.1138A>G (p.Lys380Glu) results in a conservative amino acid change in the encoded protein sequence. Three of five in-silico tools predict a damaging effect of the variant on protein function. The variant was absent in 248966 control chromosomes. c.1138A>G has been reported in the literature in the homozygous state in at-least two individuals affected with Argininosuccinic Aciduria (example: Balmer_2014, Baruteau_2017). These data indicate that the variant is likely to be associated with disease. To our knowledge, no experimental evidence demonstrating an impact on protein function has been reported. The following publications have been ascertained in the context of this evaluation (PMID: 24166829, 28251416, 38044746). ClinVar contains an entry for this variant (Variation ID: 2664664). Based on the evidence outlined above, the variant was classified as likely pathogenic.

3billion
Classification: Uncertain significance for Argininosuccinate lyase deficiency. Last evaluated: 2023-11-09. Review status: criteria provided, single submitter. Criteria: ACMG Guidelines, 2015. Collection method: clinical testing. Allele origin: germline. Affected: yes.
Comment: The variant is not observed in the gnomAD v2.1.1 dataset. Predicted Consequence/Location: Missense variant In silico tool predictions suggest damaging effect of the variant on gene or gene product [REVEL: 0.94 (>=0.6, sensitivity 0.68 and specificity 0.92)]. Same nucleotide change resulting in same amino acid change has been previously reported to be associated with ASL related disorder (PMID: 24166829). However, the evidence of pathogenicity is insufficient at this time. Therefore, this variant is classified as VUS according to the recommendation of ACMG/AMP guideline.

Genetics and Genomic Medicine Centre, NeuroGen Healthcare, NeuroGen Healthcare
Classification: Likely pathogenic. Last evaluated: 2020-12-03. Review status: no assertion criteria provided. Collection method: clinical testing. Allele origin: unknown. Affected: yes. Not counted in ClinVar's aggregate classification.

Literature cited by the submitters: PubMed 39342494 (cited by Natera, Inc.); PubMed 28251416 (cited by Natera, Inc. and Women's Health and Genetics/Laboratory Corporation of America, LabCorp); PubMed 24166829 (cited by 3 submitters); PubMed 38044746 (cited by Women's Health and Genetics/Laboratory Corporation of America, LabCorp).